The following is an entry in ClinVar:

NM_001378457.1(DMXL2):c.2594A>C (p.Lys865Thr)

Gene: DMXL2 (Dmx like 2; minus strand). Cytogenetic location: 15q21.2.
Variant type: single nucleotide variant.
Coding change: c.2594A>C on transcript NM_001378457.1 (MANE Select); coding-DNA position 2594, A replaced by C.
Protein change: p.Lys865Thr; replaces lysine 865 with threonine.
Molecular consequence: missense variant. On other transcripts: non-coding transcript variant (2).
Genome position (GRCh38, 1-based): chr15:51,514,492, T>G on the plus strand (A>C on the coding strand, the complement: DMXL2 is on the minus strand). VCF-style: chr15-51514492-T-G. GRCh37 (hg19) VCF-style: chr15-51806689-T-G.
Other names: c.2594A>C, p.Lys865Thr (NM_001174116.3, NM_001174117.3, NM_001378458.1 and 6 more transcripts); c.2354A>C, p.Lys785Thr (NM_001378464.1); short protein forms K785T, K865T.
Identifiers: ClinVar variation 2069406 (VCV002069406.2), dbSNP rs1348963566, ClinGen allele CA392440264.

ClinVar aggregate classification (germline): Uncertain significance (1 of 4 stars; one submission).

Allele frequency attached by ClinVar (database versions not stated): gnomAD exomes below 0.00001; TOPMed below 0.00001.
gnomAD v4.1: 4 of 1,598,828 alleles (0.00025%); highest among the groups gnomAD compares: Non-Finnish European, 0.00034%; no homozygotes.

Submission:

Labcorp Genetics (formerly Invitae), Labcorp
Classification: Uncertain significance. Last evaluated: 2022-07-11. Review status: criteria provided, single submitter. Criteria: Invitae Variant Classification Sherloc (09022015). Collection method: clinical testing. Allele origin: germline.
Comment: In summary, the available evidence is currently insufficient to determine the role of this variant in disease. Therefore, it has been classified as a Variant of Uncertain Significance. Algorithms developed to predict the effect of missense changes on protein structure and function (SIFT, PolyPhen-2, Align-GVGD) all suggest that this variant is likely to be tolerated. This variant has not been reported in the literature in individuals affected with DMXL2-related conditions. This variant is present in population databases (no rsID available, gnomAD 0.0009%). This sequence change replaces lysine, which is basic and polar, with threonine, which is neutral and polar, at codon 865 of the DMXL2 protein (p.Lys865Thr).